The following is an entry in ClinVar:

ClinVar aggregate classification (germline): Uncertain significance (1 of 4 stars; one submission).

Conditions:
Polycystic kidney disease, adult type (PKD1). Also called: Polycystic Kidney Disease 1, Autosomal Dominant; Polycystic kidney disease 1; Polycystic kidney disease 1, severe; POLYCYSTIC KIDNEY DISEASE, ADULT, TYPE I; Polycystic Kidney, Autosomal Dominant; POLYCYSTIC KIDNEY DISEASE 1 WITH OR WITHOUT POLYCYSTIC LIVER DISEASE. Identifiers: MedGen C3149841, MONDO:0008263, OMIM 173900.

Submission:

Victorian Clinical Genetics Services, Murdoch Childrens Research Institute
Classification: Uncertain significance for Polycystic kidney disease, adult type. Last evaluated: 2026-02-24. Review status: criteria provided, single submitter. Criteria: ACMG Guidelines, 2015. Collection method: clinical testing. Allele origin: germline. Affected: yes.
Comment: This variant is classified as VUS-3B. Evidence in support of pathogenic classification: Variant is absent from gnomAD (v2, v3 and v4). Additional information: Variant is predicted to result in a missense amino acid change from Ser to Ile; This variant is heterozygous; This gene is associated with autosomal dominant disease. Polycystic kidney disease 1 (MIM#173900) is predominantly caused by monoallelic variants, with rare reports of biallelic variants causing disease (OMIM); Alternative amino acid change(s) at the same position are present in gnomAD (highest allele count: v4: 7 heterozygote(s), 0 homozygote(s)); This variant has no previous evidence of pathogenicity; No published evidence of segregation with disease has been identified for this variant; No published functional evidence has been identified for this variant; Another missense variant(s) comparable to the one identified in this case has inconclusive previous evidence for pathogenicity. p.(Ser2411Arg) has been classified as a VUS by clinical laboratories in ClinVar. - Variant is located in the annotated REJ module (PMID: 21314639) - Missense variant with inconclusive in silico prediction and/or uninformative conservation; Loss of function is a known mechanism of disease in this gene and is associated with polycystic kidney disease 1 (MIM#173900); Inheritance information for this variant is not currently available in this individual.

Literature cited by the submitters: PubMed 21314639.

NM_001009944.3(PKD1):c.7232G>T (p.Ser2411Ile)

Gene: PKD1 (polycystin 1, transient receptor potential channel interacting; minus strand). Cytogenetic location: 16p13.3.
Variant type: single nucleotide variant.
Coding change: c.7232G>T on transcript NM_001009944.3 (MANE Select); coding-DNA position 7232, G replaced by T.
Protein change: p.Ser2411Ile; replaces serine 2411 with isoleucine.
Molecular consequence: missense variant.
Genome position (GRCh38, 1-based): chr16:2,106,655, C>A on the plus strand (G>T on the coding strand, the complement: PKD1 is on the minus strand). VCF-style: chr16-2106655-C-A. GRCh37 (hg19) VCF-style: chr16-2156656-C-A.
Other names: c.7232G>T, p.Ser2411Ile (NM_000296.4); short protein forms S2411I.
Identifiers: ClinVar variation 4879614 (VCV004879614.1).